The following is an entry in ClinVar:

NM_001374828.1(ARID1B):c.3682G>A (p.Val1228Ile)

Gene: ARID1B (AT-rich interaction domain 1B; plus strand). Cytogenetic location: 6q25.3.
Variant type: single nucleotide variant.
Coding change: c.3682G>A on transcript NM_001374828.1 (MANE Select); coding-DNA position 3682, G replaced by A.
Protein change: p.Val1228Ile; replaces valine 1228 with isoleucine.
Molecular consequence: missense variant.
Genome position (GRCh38, 1-based): chr6:157,181,146, G>A. VCF-style: chr6-157181146-G-A. GRCh37 (hg19) VCF-style: chr6-157502280-G-A.
Other names: c.3433G>A, p.Val1145Ile (NM_001346813.1); c.1183G>A, p.Val395Ile (NM_001363725.2); c.3562G>A, p.Val1188Ile (NM_001371656.1, NM_001374820.1); c.3523G>A, p.Val1175Ile (NM_017519.3); c.3313G>A, p.Val1105Ile (NM_020732.3); c.3100G>A, p.Val1034Ile (NM_175863.2); short protein forms V1175I, V1188I, V1145I, V1105I, V1228I, V395I, V1034I.
Identifiers: ClinVar variation 2045940 (VCV002045940.29), dbSNP rs775526039, ClinGen allele CA4067373.
Genomic context (GRCh38, chr6:157,181,146, plus strand): 5'-TCTCCTGTCTCAAGTCTGCCTGCCGTGGGCAAGAAGCCCCTGGACCTGTTCCGACTCTAC[G>A]TCTGCGTCAAAGAGATCGGGGGTTTGGCCCAGGTAAGAATGAGTGAGGGAGGGGGTGAAA-3'
Protein context (NP_001361757.1, residues 1218-1238): KKPLDLFRLY[Val1228Ile]CVKEIGGLAQ

ClinVar aggregate classification (germline): Likely benign. Review status: criteria provided, multiple submitters, no conflicts (2 of 4 stars). 2 submissions from 2 submitters: Likely benign (2). Last evaluated 2023-12-21.

Allele frequency attached by ClinVar (database versions not stated): TOPMed 0.00001; gnomAD 0.00002; gnomAD exomes 0.00003; ExAC 0.00014.
gnomAD v4.1: 43 of 1,614,092 alleles (0.0027%); highest among the groups gnomAD compares: Admixed American, 0.04%; no homozygotes.

Submissions (2):

Labcorp Genetics (formerly Invitae), Labcorp
Classification: Likely benign. Last evaluated: 2023-12-21. Review status: criteria provided, single submitter. Criteria: Invitae Variant Classification Sherloc (09022015). Collection method: clinical testing. Allele origin: germline.

CeGaT Center for Human Genetics Tuebingen
Classification: Likely benign. Last evaluated: 2023-07-01. Review status: criteria provided, single submitter. Criteria: CeGaT Center For Human Genetics Tuebingen Variant Classification Criteria Version 2. Collection method: clinical testing. Allele origin: germline. Affected: yes. Observed: 1 variant allele.
Comment: ARID1B: BP4, BS2